The following is an entry in ClinVar:

ClinVar aggregate classification (germline): Pathogenic (1 of 4 stars; one submission).

Submission:

Labcorp Genetics (formerly Invitae), Labcorp
Classification: Pathogenic. Last evaluated: 2023-01-24. Review status: criteria provided, single submitter. Criteria: Invitae Variant Classification Sherloc (09022015). Collection method: clinical testing. Allele origin: germline.
Comment: This sequence change creates a premature translational stop signal (p.Leu108Thrfs*74) in the SLC26A4 gene. It is expected to result in an absent or disrupted protein product. Loss-of-function variants in SLC26A4 are known to be pathogenic (PMID: 16283880, 25394566, 26252218, 26445815). This variant is not present in population databases (gnomAD no frequency). For these reasons, this variant has been classified as Pathogenic. This variant has not been reported in the literature in individuals affected with SLC26A4-related conditions.

Literature cited by the submitters: PubMed 16283880; PubMed 25394566; PubMed 26252218; PubMed 26445815.

NM_000441.2(SLC26A4):c.320dup (p.Leu108fs)

Gene: SLC26A4 (solute carrier family 26 member 4; plus strand). Cytogenetic location: 7q22.3.
Variant type: Duplication.
Coding change: c.320dup on transcript NM_000441.2 (MANE Select); coding-DNA position 320, one base duplicated (T; older notation c.320dupT).
Protein change: p.Leu108fs; shifts the reading frame from leucine 108.
Molecular consequence: frameshift variant.
Genome position (GRCh38, 1-based): chr7:107,672,153, T duplicated. VCF-style (leftmost placement, unchanged base first): chr7-107672152-C-CT. GRCh37 (hg19) VCF-style: chr7-107312597-C-CT.
Other names: short protein forms L108fs.
Identifiers: ClinVar variation 2831452 (VCV002831452.3), dbSNP rs2535293614, ClinGen allele CA2739278714.